The following is an entry in ClinVar:

ClinVar aggregate classification (germline): Likely benign (1 of 4 stars; one submission).

Allele frequency attached by ClinVar (database versions not stated): 1000 Genomes Project 0.00020; 1000 Genomes Project 30x 0.00031; ExAC 0.00192; gnomAD 0.00192; ESP Exome Variant Server 0.00200; TOPMed 0.00202.
gnomAD v4.1: 4,122 of 1,613,028 alleles (0.26%); highest among the groups gnomAD compares: Non-Finnish European, 0.27%; 14 homozygotes.

Submission:

CeGaT Center for Human Genetics Tuebingen
Classification: Likely benign. Last evaluated: 2026-08-01. Review status: criteria provided, single submitter. Criteria: CeGaT Center For Human Genetics Tuebingen Variant Classification Criteria Version 2. Collection method: clinical testing. Allele origin: germline. Affected: yes. Observed: 7 variant alleles.
Comment: SON: BP4, BS1

NM_138927.4(SON):c.7152G>A (p.Arg2384=)

Gene: SON (SON DNA and RNA binding protein; plus strand). Cytogenetic location: 21q22.11.
Variant type: single nucleotide variant.
Coding change: c.7152G>A on transcript NM_138927.4 (MANE Select); coding-DNA position 7152, G replaced by A.
Protein change: p.Arg2384=; no amino-acid change (arginine 2384 retained).
Molecular consequence: synonymous variant. On other transcripts: non-coding transcript variant (1).
Genome position (GRCh38, 1-based): chr21:33,575,824, G>A. VCF-style: chr21-33575824-G-A. GRCh37 (hg19) VCF-style: chr21-34948130-G-A.
Other names: c.1236G>A, p.Arg412= (NM_001291412.3, NM_001412132.1); c.7152G>A, p.Arg2384= (NM_001412133.1); c.*948G>A (NM_058183.2); c.*254G>A (NM_138926.1).
Identifiers: ClinVar variation 1879540 (VCV001879540.29), dbSNP rs149970213, ClinGen allele CA10010189.